The following is an entry in ClinVar:

ClinVar aggregate classification (germline): Pathogenic (1 of 4 stars; one submission).

Allele frequency attached by ClinVar (database versions not stated): gnomAD 0.00001; gnomAD exomes 0.00001; ExAC 0.00002.
gnomAD v4.1: 11 of 1,610,262 alleles (0.00068%); highest among the groups gnomAD compares: Admixed American, 0.0034%; no homozygotes.

Submission:

Labcorp Genetics (formerly Invitae), Labcorp
Classification: Pathogenic. Last evaluated: 2024-03-04. Review status: criteria provided, single submitter. Criteria: Invitae Variant Classification Sherloc (09022015). Collection method: clinical testing. Allele origin: germline.
Comment: This sequence change creates a premature translational stop signal (p.Arg322*) in the RTTN gene. It is expected to result in an absent or disrupted protein product. Loss-of-function variants in RTTN are known to be pathogenic (PMID: 26608784, 26846091). The frequency data for this variant in the population databases is considered unreliable, as metrics indicate poor data quality at this position in the gnomAD database. This variant has not been reported in the literature in individuals affected with RTTN-related conditions. ClinVar contains an entry for this variant (Variation ID: 1931372). Algorithms developed to predict the effect of sequence changes on RNA splicing suggest that this variant may disrupt the consensus splice site. For these reasons, this variant has been classified as Pathogenic.

Literature cited by the submitters: PubMed 26608784; PubMed 26846091.

NM_173630.4(RTTN):c.964C>T (p.Arg322Ter)

Gene: RTTN (rotatin; minus strand). Cytogenetic location: 18q22.2.
Variant type: single nucleotide variant.
Coding change: c.964C>T on transcript NM_173630.4 (MANE Select); coding-DNA position 964, C replaced by T.
Protein change: p.Arg322Ter; replaces arginine 322 with a stop codon.
Molecular consequence: nonsense. On other transcripts: 5 prime UTR variant (1).
Genome position (GRCh38, 1-based): chr18:70,193,331, G>A on the plus strand (C>T on the coding strand, the complement: RTTN is on the minus strand). VCF-style: chr18-70193331-G-A. GRCh37 (hg19) VCF-style: chr18-67860567-G-A.
Other names: c.-1590C>T (NM_001318520.2); short protein forms R322*.
Identifiers: ClinVar variation 1931372 (VCV001931372.5), dbSNP rs759737641, ClinGen allele CA8996313.